The following is an entry in ClinVar:

NM_001128425.2(MUTYH):c.33G>A (p.Leu11=)

Genes: MUTYH (mutY DNA glycosylase; minus strand), TOE1 (target of EGR1, exonuclease; plus strand). Cytogenetic location: 1p34.1.
Variant type: single nucleotide variant.
Coding change: c.33G>A on transcript NM_001128425.2 (MANE Plus Clinical); coding-DNA position 33, G replaced by A.
Protein change: p.Leu11=; no amino-acid change (leucine 11 retained).
Molecular consequence: synonymous variant. On other transcripts: non-coding transcript variant (2), splice donor variant (1), 5 prime UTR variant (7).
Genome position (GRCh38, 1-based): chr1:45,340,222, C>T on the plus strand (G>A on the coding strand, the complement: MUTYH is on the minus strand). VCF-style: chr1-45340222-C-T. GRCh37 (hg19) VCF-style: chr1-45805894-C-T.
Other names: c.-7+1G>A (NM_001407072.1); c.-31C>T (NM_025077.4); c.-10G>A (NM_001048171.2); c.33G>A, p.Leu11= (NM_001293190.2, NM_001407069.1, NM_001407073.1 and 1 more transcripts); c.-222G>A (NM_001293192.2); c.-281G>A (NM_001350650.2); c.-217G>A (NM_001350651.2); c.-26G>A (NM_001407070.1, NM_001407071.1).
Identifiers: ClinVar variation 1731040 (VCV001731040.5), dbSNP rs1311829327, ClinGen allele CA417702307.

ClinVar aggregate classification (germline): Conflicting classifications of pathogenicity. Review status: criteria provided, conflicting classifications (1 of 4 stars). 2 submissions from 2 submitters: Uncertain significance (1); Likely benign (1). Last evaluated 2023-05-23.

Conditions:
Familial adenomatous polyposis 2. Also called: MUTYH Polyposis; MYH-associated polyposis; Adenomas, multiple colorectal; COLORECTAL ADENOMATOUS POLYPOSIS, AUTOSOMAL RECESSIVE; ADENOMAS, MULTIPLE COLORECTAL, AUTOSOMAL RECESSIVE; FAP type 2. Identifiers: Orphanet 220460, Orphanet 247798, MedGen C3272841, MONDO:0012041, OMIM 608456.
Hereditary cancer-predisposing syndrome. Also called: Hereditary neoplastic syndrome; Neoplastic Syndromes, Hereditary; Tumor predisposition; Hereditary Cancer Syndrome. Identifiers: Orphanet 140162, MedGen C0027672, MeSH D009386, MONDO:0015356.

Allele frequency attached by ClinVar (database versions not stated): gnomAD exomes below 0.00001; TOPMed 0.00001.

Submissions (2):

Labcorp Genetics (formerly Invitae), Labcorp
Classification: Uncertain significance for Familial adenomatous polyposis 2. Last evaluated: 2023-05-23. Review status: criteria provided, single submitter. Criteria: Invitae Variant Classification Sherloc (09022015). Collection method: clinical testing. Allele origin: germline.
Comment: This sequence change affects codon 11 of the MUTYH mRNA. It is a 'silent' change, meaning that it does not change the encoded amino acid sequence of the MUTYH protein. In summary, the available evidence is currently insufficient to determine the role of this variant in disease. Therefore, it has been classified as a Variant of Uncertain Significance. Algorithms developed to predict the effect of sequence changes on RNA splicing suggest that this variant may disrupt the consensus splice site. ClinVar contains an entry for this variant (Variation ID: 1731040). This variant has not been reported in the literature in individuals affected with MUTYH-related conditions. This variant is not present in population databases (gnomAD no frequency).

Ambry Genetics
Classification: Likely benign for Hereditary cancer-predisposing syndrome. Last evaluated: 2021-10-20. Review status: criteria provided, single submitter. Criteria: Ambry Variant Classification Scheme 2023. Collection method: clinical testing. Allele origin: germline.